The following is an entry in ClinVar:

NM_000466.3(PEX1):c.3116del (p.Thr1039fs)

Genes: GATAD1 (GATA zinc finger domain containing 1; plus strand), PEX1 (peroxisomal biogenesis factor 1; minus strand). Cytogenetic location: 7q21.2.
Variant type: Deletion.
Coding change: c.3116del on transcript NM_000466.3 (MANE Select); coding-DNA position 3116, one base deleted (C; older notation c.3116delC).
Protein change: p.Thr1039fs; shifts the reading frame from threonine 1039.
Molecular consequence: frameshift variant.
Genome position (GRCh38, 1-based): chr7:92,493,044, G deleted on the plus strand (C on the coding strand, the reverse complement: PEX1 is on the minus strand). VCF-style (leftmost placement, unchanged base first): chr7-92493043-AG-A. GRCh37 (hg19) VCF-style: chr7-92122357-AG-A.
Other names: c.2945del, p.Thr982fs (NM_001282677.2); c.2492del, p.Thr831fs (NM_001282678.2); short protein forms T1039fs, T831fs, T982fs.
Identifiers: ClinVar variation 5016155 (VCV005016155.1).

ClinVar aggregate classification (germline): Pathogenic (1 of 4 stars; one submission).

Conditions:
Peroxisome biogenesis disorder. Identifiers: Orphanet 79189, MedGen C1832200, MONDO:0019234. Disease mechanism: loss of function.

Submission:

Myriad Genetics, Inc.
Classification: Pathogenic for Peroxisome biogenesis disorder. Last evaluated: 2026-07-23. Review status: criteria provided, single submitter. Criteria: Myriad Autosomal Dominant, Autosomal Recessive and X-Linked Classification Criteria (2023). Collection method: clinical testing. Allele origin: unknown.
Comment: NM_000466.2(PEX1):c.3116delC(T1039Mfs*9) is expected to be pathogenic in the context of peroxisome biogenesis disorder type 1. This variant is predicted to lead to an abnormal or absent protein product due to the creation of a premature termination codon in PEX1, a gene where loss-of-function variants are known to be pathogenic. Please note: this variant was assessed in the context of healthy population screening.